The following is an entry in ClinVar:

ClinVar aggregate classification (germline): Uncertain significance. Review status: criteria provided, multiple submitters, no conflicts (2 of 4 stars). 2 submissions from 2 submitters: Uncertain significance (2). Last evaluated 2022-03-24.

Conditions:
Hereditary cancer-predisposing syndrome. Also called: Tumor predisposition; Hereditary neoplastic syndrome; Neoplastic Syndromes, Hereditary; Hereditary Cancer Syndrome. Identifiers: Orphanet 140162, MedGen C0027672, MeSH D009386, MONDO:0015356.
Tuberous sclerosis 2 (TSC2). Identifiers: Orphanet 805, MedGen C1860707, MONDO:0013199, OMIM 613254.

Submissions (2):

Ambry Genetics
Classification: Uncertain significance for Hereditary cancer-predisposing syndrome. Last evaluated: 2022-03-24. Review status: criteria provided, single submitter. Criteria: Ambry Variant Classification Scheme 2023. Collection method: clinical testing. Allele origin: germline.
Comment: The p.D1084N variant (also known as c.3250G>A), located in coding exon 27 of the TSC2 gene, results from a G to A substitution at nucleotide position 3250. The aspartic acid at codon 1084 is replaced by asparagine, an amino acid with highly similar properties. This amino acid position is conserved. In addition, the in silico prediction for this alteration is inconclusive. Since supporting evidence is limited at this time, the clinical significance of this alteration remains unclear.

Labcorp Genetics (formerly Invitae), Labcorp
Classification: Uncertain significance for Tuberous sclerosis 2. Last evaluated: 2021-10-25. Review status: criteria provided, single submitter. Criteria: Invitae Variant Classification Sherloc (09022015). Collection method: clinical testing. Allele origin: germline.
Comment: In summary, the available evidence is currently insufficient to determine the role of this variant in disease. Therefore, it has been classified as a Variant of Uncertain Significance. Advanced modeling of protein sequence and biophysical properties (such as structural, functional, and spatial information, amino acid conservation, physicochemical variation, residue mobility, and thermodynamic stability) performed at Invitae indicates that this missense variant is not expected to disrupt TSC2 protein function. This variant has not been reported in the literature in individuals affected with TSC2-related conditions. This variant is not present in population databases (gnomAD no frequency). This sequence change replaces aspartic acid, which is acidic and polar, with asparagine, which is neutral and polar, at codon 1084 of the TSC2 protein (p.Asp1084Asn).

NM_000548.5(TSC2):c.3250G>A (p.Asp1084Asn)

Gene: TSC2 (TSC complex subunit 2; plus strand). Cytogenetic location: 16p13.3.
Variant type: single nucleotide variant.
Coding change: c.3250G>A on transcript NM_000548.5 (MANE Select); coding-DNA position 3250, G replaced by A.
Protein change: p.Asp1084Asn; replaces aspartic acid 1084 with asparagine.
Molecular consequence: missense variant.
Genome position (GRCh38, 1-based): chr16:2,079,394, G>A. VCF-style: chr16-2079394-G-A. GRCh37 (hg19) VCF-style: chr16-2129395-G-A.
Other names: c.3151G>A, p.Asp1051Asn (NM_001318832.2); c.3121G>A, p.Asp1041Asn (NM_001363528.2, NM_001370405.1, NM_021055.3); c.3118G>A, p.Asp1040Asn (NM_001370404.1, NM_001077183.3); c.3250G>A, p.Asp1084Asn (NM_001114382.3); c.3010G>A, p.Asp1004Asn (NM_001318827.2); c.2974G>A, p.Asp992Asn (NM_001318829.2); c.2518G>A, p.Asp840Asn (NM_001318831.2); short protein forms D1004N, D1041N, D1051N, D1084N, D840N, D992N, D1040N.
Identifiers: ClinVar variation 1520434 (VCV001520434.8), dbSNP rs2151440238, ClinGen allele CA394286133.